The following is an entry in ClinVar:

NM_175710.2(CR1L):c.960C>T (p.Pro320=)

Gene: CR1L (complement C3b/C4b receptor 1 like; plus strand). Cytogenetic location: 1q32.2.
Variant type: single nucleotide variant.
Coding change: c.960C>T on transcript NM_175710.2 (MANE Select); coding-DNA position 960, C replaced by T.
Protein change: p.Pro320=; no amino-acid change (proline 320 retained).
Molecular consequence: synonymous variant.
Genome position (GRCh38, 1-based): chr1:207,697,600, C>T. VCF-style: chr1-207697600-C-T. GRCh37 (hg19) VCF-style: chr1-207870945-C-T.
Identifiers: ClinVar variation 3904895 (VCV003904895.10).
Genomic context (GRCh38, chr1:207,697,600, plus strand): 5'-TACCCAAAGGGACAAGGACAACTTTTCACCCGGGCAGGAAGTGTTCTACAGCTGTGAGCC[C>T]GGCTACGACCTCAGAGGATCTACGTATTTGCACTGCACACCCCAGGGAGACTGGAGCCCT-3'
Protein context (NP_783641.1, residues 310-330): PGQEVFYSCE[Pro320=]GYDLRGSTYL

ClinVar aggregate classification (germline): Likely benign (1 of 4 stars; one submission).

gnomAD v4.1: 10,165 of 1,613,880 alleles (0.63%); highest among the groups gnomAD compares: Non-Finnish European, 0.72%; 49 homozygotes.

Submission:

CeGaT Center for Human Genetics Tuebingen
Classification: Likely benign. Last evaluated: 2025-06-01. Review status: criteria provided, single submitter. Criteria: CeGaT Center For Human Genetics Tuebingen Variant Classification Criteria Version 2. Collection method: clinical testing. Allele origin: germline. Affected: yes. Observed: 1 variant allele.
Comment: CR1L: BP4, BP7, BS2